The following is an entry in ClinVar:

ClinVar aggregate classification (germline): Uncertain significance (1 of 4 stars; one submission).

Conditions:
Spastic paraplegia. Identifiers: MedGen C0037772, HP:0001258.

Submission:

Labcorp Genetics (formerly Invitae), Labcorp
Classification: Uncertain significance for Spastic paraplegia. Last evaluated: 2023-06-18. Review status: criteria provided, single submitter. Criteria: Invitae Variant Classification Sherloc (09022015). Collection method: clinical testing. Allele origin: germline.
Comment: In summary, the available evidence is currently insufficient to determine the role of this variant in disease. Therefore, it has been classified as a Variant of Uncertain Significance. Advanced modeling of protein sequence and biophysical properties (such as structural, functional, and spatial information, amino acid conservation, physicochemical variation, residue mobility, and thermodynamic stability) performed at Invitae indicates that this missense variant is expected to disrupt SLC16A2 protein function. This variant has not been reported in the literature in individuals affected with SLC16A2-related conditions. This variant is not present in population databases (gnomAD no frequency). This sequence change replaces cysteine, which is neutral and slightly polar, with tyrosine, which is neutral and polar, at codon 209 of the SLC16A2 protein (p.Cys209Tyr).

NM_006517.5(SLC16A2):c.626G>A (p.Cys209Tyr)

Gene: SLC16A2 (solute carrier family 16 member 2; plus strand). Cytogenetic location: Xq13.2.
Variant type: single nucleotide variant.
Coding change: c.626G>A on transcript NM_006517.5 (MANE Select); coding-DNA position 626, G replaced by A.
Protein change: p.Cys209Tyr; replaces cysteine 209 with tyrosine.
Molecular consequence: missense variant.
Genome position (GRCh38, 1-based): chrX:74,524,409, G>A. VCF-style: chrX-74524409-G-A. GRCh37 (hg19) VCF-style: chrX-73744244-G-A.
Other names: short protein forms C209Y.
Identifiers: ClinVar variation 2719070 (VCV002719070.3), dbSNP rs2519806536, ClinGen allele CA413656939.
Genomic context (GRCh38, chrX:74,524,409, plus strand): 5'-TCTCCCACAGCTCCCTAAGCCTGCGCTACTTCACCTACGGGATTCTCTTTGGTTGTGGCT[G>A]TTCCTTCGCCTTTCAGCCATCCCTCGTCATCCTGGGCCACTACTTTCAACGCCGCCTGGG-3'
Protein context (NP_006508.2, residues 199-219): FTYGILFGCG[Cys209Tyr]SFAFQPSLVI